The following is an entry in ClinVar:

NM_172027.3(ABTB1):c.257G>A (p.Arg86His)

Gene: ABTB1 (ankyrin repeat and BTB domain containing 1; plus strand). Cytogenetic location: 3q21.3.
Variant type: single nucleotide variant.
Coding change: c.257G>A on transcript NM_172027.3 (MANE Select); coding-DNA position 257, G replaced by A.
Protein change: p.Arg86His; replaces arginine 86 with histidine.
Molecular consequence: missense variant. On other transcripts: 5 prime UTR variant (1), non-coding transcript variant (1).
Genome position (GRCh38, 1-based): chr3:127,676,051, G>A. VCF-style: chr3-127676051-G-A. GRCh37 (hg19) VCF-style: chr3-127394894-G-A.
Other names: c.-170G>A (NM_032548.4); short protein forms R86H.
Identifiers: ClinVar variation 2211740 (VCV002211740.3), dbSNP rs150548380, ClinGen allele CA2596883.
Genomic context (GRCh38, chr3:127,676,051, plus strand): 5'-CCTTCGATGGTGAGCGCTGCCTCTATGGGGCACTGAGTGACCCCATCCGCCGGGCTCTAC[G>A]CGATTACAAGCAGGTCACGGCTTCCTGCAGGAGGCGGGATTACTATGACGACTTCTTGCA-3'
Protein context (NP_742024.1, residues 76-96): ALSDPIRRAL[Arg86His]DYKQVTASCR

ClinVar aggregate classification (germline): Uncertain significance (1 of 4 stars; one submission).

Allele frequency attached by ClinVar (database versions not stated): ExAC 0.00004; gnomAD 0.00005; ESP Exome Variant Server 0.00015.
gnomAD v4.1: 105 of 1,613,128 alleles (0.0065%); highest among the groups gnomAD compares: Non-Finnish European, 0.008%; no homozygotes.

Submission:

Ambry Genetics
Classification: Uncertain significance. Last evaluated: 2026-05-19. Review status: criteria provided, single submitter. Criteria: Ambry Variant Classification Scheme 2023. Collection method: clinical testing. Allele origin: germline.
Comment: The c.257G>A (p.R86H) alteration is located in exon 4 (coding exon 4) of the ABTB1 gene. This alteration results from a G to A substitution at nucleotide position 257, causing the arginine (R) at amino acid position 86 to be replaced by a histidine (H). Based on data from gnomAD, the A allele has an overall frequency of 0.004% (10/250626) total alleles studied. The highest observed frequency was 0.02% (2/10056) of Ashkenazi Jewish alleles. Based on insufficient or conflicting evidence, the clinical significance of this alteration remains unclear.